The following is an entry in ClinVar:

ClinVar aggregate classification (germline): Benign/Likely benign. Review status: criteria provided, multiple submitters, no conflicts (2 of 4 stars). 10 submissions from 9 submitters: Benign (5); Likely benign (4). 1 of the submissions does not count toward it. Last evaluated 2026-03-01.

Conditions:
PAX3-related disorder. Also called: PAX3-related condition.
Waardenburg syndrome. Also called: Waardenburg's syndrome. Identifiers: Orphanet 3440, MedGen C3266898, MONDO:0018094.
Inborn genetic diseases. Identifiers: MedGen C0950123, MeSH D030342.
Waardenburg syndrome type 1 (WS1). Also called: Waardenburg Syndrome Type I; WAARDENBURG SYNDROME WITH DYSTOPIA CANTHORUM. Identifiers: Orphanet 894, MedGen C1847800, MONDO:0008670, OMIM 193500.
Craniofacial-deafness-hand syndrome (CDHS). Identifiers: Orphanet 1529, MedGen C1852510, MONDO:0007395, OMIM 122880.

Allele frequency attached by ClinVar (database versions not stated): gnomAD exomes 0.00069; ExAC 0.00077; ESP Exome Variant Server 0.00238; gnomAD 0.00272 and 0.00287; TOPMed 0.00302; 1000 Genomes Project 0.00359; 1000 Genomes Project 30x 0.00359.
gnomAD v4.1: 809 of 1,614,256 alleles (0.05%); highest among the groups gnomAD compares: African/African-American, 0.88%; 6 homozygotes.

Submissions (10):

CeGaT Center for Human Genetics Tuebingen
Classification: Likely benign. Last evaluated: 2026-03-01. Review status: criteria provided, single submitter. Criteria: CeGaT Center For Human Genetics Tuebingen Variant Classification Criteria Version 2. Collection method: clinical testing. Allele origin: germline. Affected: yes. Observed: 1 variant allele.
Comment: PAX3: BS2

Labcorp Genetics (formerly Invitae), Labcorp
Classification: Benign. Last evaluated: 2025-12-24. Review status: criteria provided, single submitter. Criteria: Invitae Variant Classification Sherloc (09022015). Collection method: clinical testing. Allele origin: germline.

Ambry Genetics
Classification: Likely benign for Inborn genetic diseases. Last evaluated: 2025-08-12. Review status: criteria provided, single submitter. Criteria: Ambry Variant Classification Scheme 2023. Collection method: clinical testing. Allele origin: germline.

Blueprint Genetics
Classification: Likely benign. Last evaluated: 2024-11-06. Review status: criteria provided, single submitter. Criteria: ACMG Guidelines, 2015. Collection method: clinical testing. Allele origin: germline.

GeneDx
Classification: Benign. Last evaluated: 2019-02-13. Review status: criteria provided, single submitter. Criteria: GeneDx Variant Classification Process June 2021. Collection method: clinical testing. Allele origin: germline. Affected: yes.

Illumina Laboratory Services, Illumina
Classification: Benign for Waardenburg syndrome. Last evaluated: 2018-01-13. Review status: criteria provided, single submitter. Criteria: ICSL Variant Classification Criteria 13 December 2019. Collection method: clinical testing. Allele origin: germline.
Comment: This variant was observed in the ICSL laboratory as part of a predisposition screen in an ostensibly healthy population. It had not been previously curated by ICSL or reported in the Human Gene Mutation Database (HGMD: prior to June 1st, 2018), and was therefore a candidate for classification through an automated scoring system. Utilizing variant allele frequency, disease prevalence and penetrance estimates, and inheritance mode, an automated score was calculated to assess if this variant is too frequent to cause the disease. Based on the score and internal cut-off values, a variant classified as benign is not then subjected to further curation. The score for this variant resulted in a classification of benign for this disease.

Illumina Laboratory Services, Illumina
Classification: Benign for Craniofacial-deafness-hand syndrome. Last evaluated: 2018-01-13. Review status: criteria provided, single submitter. Criteria: ICSL Variant Classification Criteria 13 December 2019. Collection method: clinical testing. Allele origin: germline.
Comment: the same text as in the submission from Illumina Laboratory Services, Illumina above.

Center for Human Genetics, Inc
Classification: Likely benign for Waardenburg syndrome type 1. Last evaluated: 2016-11-01. Review status: criteria provided, single submitter. Criteria: ACMG Guidelines, 2015. Collection method: clinical testing. Allele origin: germline. Affected: yes.

Laboratory for Molecular Medicine, Mass General Brigham Personalized Medicine
Classification: Benign. Last evaluated: 2014-11-24. Review status: criteria provided, single submitter. Criteria: LMM Criteria. Collection method: clinical testing. Allele origin: germline. Observed: 2 variant alleles.
Comment: Lys175Asn in exon 4A of PAX3: This variant is not expected to have clinical sign ificance because it has been identified in 0.7% (31/4406) of African American ch romosomes from a broad population by the NHLBI Exome Sequencing Project (dbSNP rs116473352).

PreventionGenetics, part of Exact Sciences
Classification: Benign for PAX3-related condition. Last evaluated: 2021-01-28. Review status: no assertion criteria provided. Collection method: clinical testing. Allele origin: germline. Not counted in ClinVar's aggregate classification.
Comment: This variant is classified as benign based on ACMG/AMP sequence variant interpretation guidelines (Richards et al. 2015 PMID: 25741868, with internal and published modifications).

NM_181458.4(PAX3):c.525G>C (p.Lys175Asn)

Gene: PAX3 (paired box 3; minus strand). Cytogenetic location: 2q36.1.
Variant type: single nucleotide variant.
Coding change: c.525G>C on transcript NM_181458.4 (MANE Select); coding-DNA position 525, G replaced by C.
Protein change: p.Lys175Asn; replaces lysine 175 with asparagine.
Molecular consequence: missense variant.
Genome position (GRCh38, 1-based): chr2:222,294,228, C>G on the plus strand (G>C on the coding strand, the complement: PAX3 is on the minus strand). VCF-style: chr2-222294228-C-G. GRCh37 (hg19) VCF-style: chr2-223158947-C-G.
Other names: c.525G>C, p.Lys175Asn (NM_000438.6, NM_013942.5, NM_181457.4 and 3 more transcripts); c.522G>C, p.Lys174Asn (NM_001127366.3); short protein forms K175N, K174N.
Identifiers: ClinVar variation 226992 (VCV000226992.28), dbSNP rs116473352, ClinGen allele CA2135707.
Genomic context (GRCh38, chr2:222,294,228, plus strand): 5'-TCGCTCGCTCAGGATGCCGTCGATGCTGTGTTTGGCCTTCTTCTCGCTTTCCTCTGCCTC[C>G]TTCCTCTCCAAGTCGGCCTCCTCCTCTTCACCTTTCCCGAATTTACTTCTCAGGATGCGG-3'
Protein context (NP_852123.1, residues 165-185): GEEEEADLER[Lys175Asn]EAEESEKKAK